The following is an entry in ClinVar:

ClinVar aggregate classification (germline): Uncertain significance (1 of 4 stars; one submission).

Allele frequency attached by ClinVar (database versions not stated): gnomAD exomes below 0.00001; TOPMed below 0.00001.
gnomAD v4.1: 2 of 1,610,910 alleles (0.00012%); highest among the groups gnomAD compares: Non-Finnish European, 0.00017%; no homozygotes.

Submission:

Laboratorio de Genetica e Diagnostico Molecular, Hospital Israelita Albert Einstein
Classification: Uncertain significance. Last evaluated: 2022-04-10. Review status: criteria provided, single submitter. Criteria: ACMG Guidelines, 2015. Collection method: clinical testing. Allele origin: germline. Affected: yes.
Comment: ACMG classification criteria: PM2

NM_015409.5(EP400):c.8251A>G (p.Thr2751Ala)

Gene: EP400 (E1A binding protein p400; plus strand). Cytogenetic location: 12q24.33.
Variant type: single nucleotide variant.
Coding change: c.8251A>G on transcript NM_015409.5 (MANE Select); coding-DNA position 8251, A replaced by G.
Protein change: p.Thr2751Ala; replaces threonine 2751 with alanine.
Molecular consequence: missense variant.
Genome position (GRCh38, 1-based): chr12:132,062,618, A>G. VCF-style: chr12-132062618-A-G. GRCh37 (hg19) VCF-style: chr12-132547163-A-G.
Other names: short protein forms T2751A.
Identifiers: ClinVar variation 1690613 (VCV001690613.2), dbSNP rs1895743773, ClinGen allele CA387349333.